The following is an entry in ClinVar:

NM_032380.5(GFM2):c.1511-13_1511-11del

Gene: GFM2 (GTP dependent ribosome recycling factor mitochondrial 2; minus strand). Cytogenetic location: 5q13.3.
Variant type: Microsatellite.
Coding change: c.1511-13_1511-11del on transcript NM_032380.5 (MANE Select); 13 bases into the intron before coding-DNA position 1511 through 11 bases into the intron before coding-DNA position 1511, 3 bases deleted (GTT; older notation c.1511-13_1511-11delGTT).
Molecular consequence: intron variant.
Genome position (GRCh38, 1-based): chr5:74,733,109-74,733,111, AAC deleted on the plus strand (GTT on the coding strand, the reverse complement: GFM2 is on the minus strand); deleting any 3 consecutive bases within chr5:74,733,109-74,733,114 gives the same sequence; the c. name uses the placement nearest the transcript's 3' end. VCF-style (leftmost placement, unchanged base first): chr5-74733108-AAAC-A. GRCh37 (hg19) VCF-style: chr5-74028933-AAAC-A.
Other names: c.1370-13_1370-11del (NM_170691.3); c.1607-13_1607-11del (NM_001281302.2).
Identifiers: ClinVar variation 4698104 (VCV004698104.1).

ClinVar aggregate classification (germline): Uncertain significance (1 of 4 stars; one submission).

Submission:

Labcorp Genetics (formerly Invitae), Labcorp
Classification: Uncertain significance. Last evaluated: 2025-04-14. Review status: criteria provided, single submitter. Criteria: Invitae Variant Classification Sherloc (09022015). Collection method: clinical testing. Allele origin: germline.
Comment: This sequence change falls in intron 15 of the GFM2 gene. It does not directly change the encoded amino acid sequence of the GFM2 protein. This variant is present in population databases (rs747119772, gnomAD 0.01%). This variant has not been reported in the literature in individuals affected with GFM2-related conditions. Algorithms developed to predict the effect of sequence changes on RNA splicing suggest that this variant may disrupt the consensus splice site. In summary, the available evidence is currently insufficient to determine the role of this variant in disease. Therefore, it has been classified as a Variant of Uncertain Significance.